The following is an entry in ClinVar:

NM_000558.3(HBA1):c.-77C>G

Genes: HBA1 (hemoglobin subunit alpha 1; plus strand), LOC106804613 (hemoglobin subunit alpha 1 recombination region; plus strand). Cytogenetic location: 16p13.3.
Variant type: single nucleotide variant.
Coding change: c.-77C>G on transcript NM_000558.3; 77 bases upstream of the start codon, C replaced by G.
Genome position (GRCh38, 1-based): chr16:176,640, C>G. VCF-style: chr16-176640-C-G. GRCh37 (hg19) VCF-style: chr16-226639-C-G.
Identifiers: ClinVar variation 439104 (VCV000439104.7), dbSNP rs866267079, ClinGen allele CA276416348.

ClinVar aggregate classification (germline): Uncertain significance (1 of 4 stars; one submission).

Allele frequency attached by ClinVar (database versions not stated): gnomAD 0.00070; 1000 Genomes Project 30x 0.00109.

Submission:

Quest Diagnostics Nichols Institute San Juan Capistrano
Classification: Uncertain significance. Last evaluated: 2023-11-17. Review status: criteria provided, single submitter. Criteria: Quest Diagnostics criteria. Collection method: clinical testing. Allele origin: unknown.
Comment: The HBA1 c.-77C>G variant is located 77 bp upstream of the translation initiation codon in the promoter region of the alpha1-globin gene. To the best of our knowledge, this variant has not been reported in individuals with HBA1-related conditions in the published literature. Based on the available information, we are unable to determine the clinical significance of this variant.